The following is an entry in ClinVar:

ClinVar aggregate classification (germline): Uncertain significance. Review status: criteria provided, multiple submitters, no conflicts (2 of 4 stars). 3 submissions from 3 submitters: Uncertain significance (3). Last evaluated 2024-04-22.

Conditions:
Inborn genetic diseases. Identifiers: MedGen C0950123, MeSH D030342.

Allele frequency attached by ClinVar (database versions not stated): gnomAD exomes below 0.00001 and 0.00001; ExAC 0.00001; gnomAD 0.00003; TOPMed 0.00005.
gnomAD v4.1: 6 of 1,209,193 alleles (0.0005%); highest among the groups gnomAD compares: African/African-American, 0.0087%; no homozygotes.

Submissions (6):

Labcorp Genetics (formerly Invitae), Labcorp
Classification: Uncertain significance. Last evaluated: 2024-04-22. Review status: criteria provided, single submitter. Criteria: Invitae Variant Classification Sherloc (09022015). Collection method: clinical testing. Allele origin: germline.
Comment: This sequence change replaces arginine, which is basic and polar, with glycine, which is neutral and non-polar, at codon 1449 of the BRWD3 protein (p.Arg1449Gly). This variant is present in population databases (rs762860736, gnomAD 0.008%). This variant has not been reported in the literature in individuals affected with BRWD3-related conditions. ClinVar contains an entry for this variant (Variation ID: 1312956). Advanced modeling of protein sequence and biophysical properties (such as structural, functional, and spatial information, amino acid conservation, physicochemical variation, residue mobility, and thermodynamic stability) performed at Invitae indicates that this missense variant is not expected to disrupt BRWD3 protein function with a negative predictive value of 80%. Algorithms developed to predict the effect of sequence changes on RNA splicing suggest that this variant may create or strengthen a splice site. In summary, the available evidence is currently insufficient to determine the role of this variant in disease. Therefore, it has been classified as a Variant of Uncertain Significance.

Ambry Genetics
Classification: Uncertain significance for Inborn genetic diseases. Last evaluated: 2023-06-15. Review status: criteria provided, single submitter. Criteria: Ambry Variant Classification Scheme 2023. Collection method: clinical testing. Allele origin: germline.

GeneDx
Classification: Uncertain significance. Last evaluated: 2023-01-10. Review status: criteria provided, single submitter. Criteria: GeneDx Variant Classification Process June 2021. Collection method: clinical testing. Allele origin: germline. Affected: yes.
Comment: In silico analysis supports a deleterious effect on splicing; In silico analysis supports that this missense variant has a deleterious effect on protein structure/function; Has not been previously published as pathogenic or benign to our knowledge

Dr. Peter K. Rogan Lab, Western University
No classification provided (evidence only). Condition: Thyroid cancer, nonmedullary, 1. Review status: no classification provided. Collection method: in vitro. Allele origin: not applicable. Functional consequence: retained intron. Not counted in ClinVar's aggregate classification.

Dr. Peter K. Rogan Lab, Western University
No classification provided (evidence only). Condition: Thyroid cancer, nonmedullary, 1. Review status: no classification provided. Collection method: in vitro. Allele origin: not applicable. Functional consequence: retained intron. Not counted in ClinVar's aggregate classification.

Dr. Peter K. Rogan Lab, Western University
No classification provided (evidence only). Condition: Thyroid cancer, nonmedullary, 1. Review status: no classification provided. Collection method: in vitro. Allele origin: not applicable. Functional consequence: retained intron. Not counted in ClinVar's aggregate classification.

NM_153252.5(BRWD3):c.4345A>G (p.Arg1449Gly)

Gene: BRWD3 (bromodomain and WD repeat domain containing 3; minus strand). Cytogenetic location: Xq21.1.
Variant type: single nucleotide variant.
Coding change: c.4345A>G on transcript NM_153252.5 (MANE Select); coding-DNA position 4345, A replaced by G.
Protein change: p.Arg1449Gly; replaces arginine 1449 with glycine.
Molecular consequence: missense variant.
Genome position (GRCh38, 1-based): chrX:80,682,517, T>C on the plus strand (A>G on the coding strand, the complement: BRWD3 is on the minus strand). VCF-style: chrX-80682517-T-C. GRCh37 (hg19) VCF-style: chrX-79938016-T-C.
Other names: short protein forms R1449G.
Identifiers: ClinVar variation 1312956 (VCV001312956.10), dbSNP rs762860736, ClinGen allele CA10461676.